The following is an entry in ClinVar:

ClinVar aggregate classification (germline): Likely benign. Review status: criteria provided, single submitter (1 of 4 stars). 2 submissions from 2 submitters: Likely benign (1). 1 of the submissions does not count toward it. Last evaluated 2024-02-27.

Conditions:
ABCC2-related disorder. Also called: ABCC2-related condition.

Allele frequency attached by ClinVar (database versions not stated): gnomAD exomes 0.00001; ExAC 0.00002; gnomAD 0.00007; TOPMed 0.00007; ESP Exome Variant Server 0.00008; 1000 Genomes Project 0.00020; 1000 Genomes Project 30x 0.00031.
gnomAD v4.1: 15 of 1,613,996 alleles (0.00093%); highest among the groups gnomAD compares: African/African-American, 0.019%; no homozygotes.

Submissions (2):

Labcorp Genetics (formerly Invitae), Labcorp
Classification: Likely benign. Last evaluated: 2024-02-27. Review status: criteria provided, single submitter. Criteria: Invitae Variant Classification Sherloc (09022015). Collection method: clinical testing. Allele origin: germline.

PreventionGenetics, part of Exact Sciences
Classification: Likely benign for ABCC2-related condition. Last evaluated: 2022-02-11. Review status: no assertion criteria provided. Collection method: clinical testing. Allele origin: germline. Not counted in ClinVar's aggregate classification.
Comment: This variant is classified as likely benign based on ACMG/AMP sequence variant interpretation guidelines (Richards et al. 2015 PMID: 25741868, with internal and published modifications).

NM_000392.5(ABCC2):c.1967+9C>T

Gene: ABCC2 (ATP binding cassette subfamily C member 2; plus strand). Cytogenetic location: 10q24.2.
Variant type: single nucleotide variant.
Coding change: c.1967+9C>T on transcript NM_000392.5 (MANE Select); 9 bases into the intron after coding-DNA position 1967, C replaced by T.
Molecular consequence: intron variant.
Genome position (GRCh38, 1-based): chr10:99,811,611, C>T. VCF-style: chr10-99811611-C-T. GRCh37 (hg19) VCF-style: chr10-101571368-C-T.
Other names: c.1967+9C>T (NM_000392.4).
Identifiers: ClinVar variation 2906308 (VCV002906308.5), dbSNP rs116038575, ClinGen allele CA5643352.